The following is an entry in ClinVar:

NM_001100.4(ACTA1):c.1060T>C (p.Phe354Leu)

Gene: ACTA1 (actin alpha 1, skeletal muscle; minus strand). Cytogenetic location: 1q42.13.
Variant type: single nucleotide variant.
Coding change: c.1060T>C on transcript NM_001100.4 (MANE Select); coding-DNA position 1060, T replaced by C.
Protein change: p.Phe354Leu; replaces phenylalanine 354 with leucine.
Molecular consequence: missense variant.
Genome position (GRCh38, 1-based): chr1:229,431,573, A>G on the plus strand (T>C on the coding strand, the complement: ACTA1 is on the minus strand). VCF-style: chr1-229431573-A-G. GRCh37 (hg19) VCF-style: chr1-229567320-A-G.
Other names: short protein forms F354L.
Identifiers: ClinVar variation 1301883 (VCV001301883.1), dbSNP rs2102735014, ClinGen allele CA345144566.

ClinVar aggregate classification (germline): Likely pathogenic (1 of 4 stars; one submission).

Conditions:
ACTA1-related myopathies.

Submission:

Rady Children's Institute for Genomic Medicine, Rady Children's Hospital San Diego
Classification: Likely pathogenic for ACTA1-related myopathies. Last evaluated: 2020-08-28. Review status: criteria provided, single submitter. Criteria: ACMG Guidelines, 2015. Collection method: clinical testing. Allele origin: germline. Affected: yes.
Comment: This variant has not been previously reported or functionally characterized in the literature to our knowledge. It is absent from the gnomAD population database and thus is presumed to be rare. The c.1060T>C (p.Phe354Leu) variant affects a highly conserved amino acid and is predicted by multiple in silico tools to have a deleterious effect on protein function. This variant was found in trans with a variant in ACTA1 which was also classified as Likely Pathogenic. Based on the available evidence, the c.1060T>C (p.Phe354Leu) variant is classified as Likely Pathogenic.